The following is an entry in ClinVar:

ClinVar aggregate classification (germline): Benign/Likely benign. Review status: criteria provided, multiple submitters, no conflicts (2 of 4 stars). 2 submissions from 2 submitters: Benign (1); Likely benign (1). Last evaluated 2026-01-30.

Conditions:
BLVRA-related disorder. Also called: BLVRA-related condition.

Allele frequency attached by ClinVar (database versions not stated): ESP Exome Variant Server 0.00092; 1000 Genomes Project 0.00120; 1000 Genomes Project 30x 0.00125; ExAC 0.00137.
gnomAD v4.1: 1,371 of 1,614,020 alleles (0.085%); highest among the groups gnomAD compares: South Asian, 0.7%; 8 homozygotes.

Submissions (2):

PreventionGenetics, part of Exact Sciences
Classification: Likely benign for BLVRA-related condition. Last evaluated: 2026-01-30. Review status: criteria provided, single submitter. Criteria: ACMG Guidelines, 2015. Collection method: clinical testing. Allele origin: germline.
Comment: This variant is classified as likely benign based on ACMG/AMP sequence variant interpretation guidelines (Richards et al. 2015 PMID: 25741868, with internal and published modifications).

Labcorp Genetics (formerly Invitae), Labcorp
Classification: Benign. Last evaluated: 2025-03-10. Review status: criteria provided, single submitter. Criteria: Invitae Variant Classification Sherloc (09022015). Collection method: clinical testing. Allele origin: germline.

NM_000712.4(BLVRA):c.400G>A (p.Ala134Thr)

Gene: BLVRA (biliverdin reductase A; plus strand). Cytogenetic location: 7p13.
Variant type: single nucleotide variant.
Coding change: c.400G>A on transcript NM_000712.4 (MANE Select); coding-DNA position 400, G replaced by A.
Protein change: p.Ala134Thr; replaces alanine 134 with threonine.
Molecular consequence: missense variant.
Genome position (GRCh38, 1-based): chr7:43,800,512, G>A. VCF-style: chr7-43800512-G-A. GRCh37 (hg19) VCF-style: chr7-43840111-G-A.
Other names: c.400G>A, p.Ala134Thr (NM_001253823.2); c.400G>A (NM_000712.3); short protein forms A134T.
Identifiers: ClinVar variation 2063923 (VCV002063923.5), dbSNP rs149777705, ClinGen allele CA4234104.
Genomic context (GRCh38, chr7:43,800,512, plus strand): 5'-TTTGTCGTTACAGGAAAAGTCTTGCACGAGGAGCATGTTGAACTCTTGATGGAGGAATTC[G>A]CTTTCCTGAAAAAAGAAGTGGTGGGGAAAGACCTGCTGAAAGGGTCGCTCCTCTTCACAG-3'
Protein context (NP_000703.2, residues 124-144): EHVELLMEEF[Ala134Thr]FLKKEVVGKD